The following is an entry in ClinVar:

NM_000632.4(ITGAM):c.454_455delinsAT (p.Ala152Ile)

Gene: ITGAM (integrin subunit alpha M; plus strand). Cytogenetic location: 16p11.2.
Variant type: Indel.
Coding change: c.454_455delinsAT on transcript NM_000632.4 (MANE Select); coding-DNA positions 454 to 455, GC replaced by AT.
Protein change: p.Ala152Ile; replaces alanine 152 with isoleucine.
Molecular consequence: missense variant.
Genome position (GRCh38, 1-based): chr16:31,270,980-31,270,981, GC replaced by AT. VCF-style: chr16-31270980-GC-AT. GRCh37 (hg19) VCF-style: chr16-31282301-GC-AT.
Other names: c.454_455delinsAT, p.Ala152Ile (NM_001145808.2); short protein forms A152I.
Identifiers: ClinVar variation 3650381 (VCV003650381.2).
Genomic context (GRCh38, chr16:31,270,980, plus strand): 5'-ATTACTTGATTCATACTCTTTTCCCCTTCCCCAGGGTGTCCTCAAGAGGATAGTGACATT[GC>AT]CTTCTTGATTGATGGCTCTGGTAGCATCATCCCACATGACTTTCGGCGGATGAAGGAGTT-3'
Protein context (NP_000623.2, residues 142-162): RGCPQEDSDI[Ala152Ile]FLIDGSGSII

ClinVar aggregate classification (germline): Uncertain significance (1 of 4 stars; one submission).

Submission:

Labcorp Genetics (formerly Invitae), Labcorp
Classification: Uncertain significance. Last evaluated: 2024-04-18. Review status: criteria provided, single submitter. Criteria: Invitae Variant Classification Sherloc (09022015). Collection method: clinical testing. Allele origin: germline.
Comment: This sequence change replaces alanine, which is neutral and non-polar, with isoleucine, which is neutral and non-polar, at codon 152 of the ITGAM protein (p.Ala152Ile). Information on the frequency of this variant in the gnomAD database is not available, as this variant may be reported differently in the database. This variant has not been reported in the literature in individuals affected with ITGAM-related conditions. An algorithm developed to predict the effect of missense changes on protein structure and function (PolyPhen-2) suggests that this variant is likely to be disruptive. In summary, the available evidence is currently insufficient to determine the role of this variant in disease. Therefore, it has been classified as a Variant of Uncertain Significance.